The following is an entry in ClinVar:

NM_000487.6(ARSA):c.1450G>C (p.Asp484His)

Gene: ARSA (arylsulfatase A; minus strand). Cytogenetic location: 22q13.33.
Variant type: single nucleotide variant.
Coding change: c.1450G>C on transcript NM_000487.6 (MANE Select); coding-DNA position 1450, G replaced by C.
Protein change: p.Asp484His; replaces aspartic acid 484 with histidine.
Molecular consequence: missense variant.
Genome position (GRCh38, 1-based): chr22:50,625,225, C>G on the plus strand (G>C on the coding strand, the complement: ARSA is on the minus strand). VCF-style: chr22-50625225-C-G. GRCh37 (hg19) VCF-style: chr22-51063653-C-G.
Other names: c.1192G>C, p.Asp398His (NM_001362782.2, NM_001085428.3); c.1450G>C, p.Asp484His (NM_001085425.3, NM_001085426.3, NM_001085427.3); c.1450G>C (NM_000487.5); short protein forms D484H, D398H.
Identifiers: ClinVar variation 1438541 (VCV001438541.8), dbSNP rs749061034, ClinGen allele CA10324724.
Genomic context (GRCh38, chr22:50,625,225, plus strand): 5'-AATGGCAGCAAGCTGGGCGGGGGGTGCAGCCAGGATGACAGCAGATCTGCAGGGCGGGGT[C>G]CTCGCCCCGGGCCACCTGGCTGGGGCCGAAGGTCACAGCTGCGTCTAACTGGGCCTTGAG-3'
Protein context (NP_000478.3, residues 474-494): FGPSQVARGE[Asp484His]PALQICCHPG

ClinVar aggregate classification (germline): Uncertain significance (1 of 4 stars; one submission).

Conditions:
Metachromatic leukodystrophy (MLD). Also called: ARSA DEFICIENCY; CEREBROSIDE SULFATASE DEFICIENCY; Arylsulfatase A Deficiency; METACHROMATIC LEUKOENCEPHALOPATHY; SULFATIDE LIPIDOSIS; Cerebral sclerosis diffuse metachromatic form. Identifiers: Orphanet 512, MedGen C0023522, MONDO:0018868, OMIM 250100.

Allele frequency attached by ClinVar (database versions not stated): gnomAD exomes 0.00002; ExAC 0.00003.

Submissions (2):

Labcorp Genetics (formerly Invitae), Labcorp
Classification: Uncertain significance for Metachromatic leukodystrophy. Last evaluated: 2025-06-20. Review status: criteria provided, single submitter. Criteria: Invitae Variant Classification Sherloc (09022015). Collection method: clinical testing. Allele origin: germline.
Comment: This sequence change replaces aspartic acid, which is acidic and polar, with histidine, which is basic and polar, at codon 484 of the ARSA protein (p.Asp484His). This variant is present in population databases (rs749061034, gnomAD 0.005%). This variant has not been reported in the literature in individuals affected with ARSA-related conditions. ClinVar contains an entry for this variant (Variation ID: 1438541). Invitae Evidence Modeling of protein sequence and biophysical properties (such as structural, functional, and spatial information, amino acid conservation, physicochemical variation, residue mobility, and thermodynamic stability) indicates that this missense variant is expected to disrupt ARSA protein function with a positive predictive value of 95%. Experimental studies have shown that this missense change affects ARSA function (PMID: 37480112). In summary, the available evidence is currently insufficient to determine the role of this variant in disease. Therefore, it has been classified as a Variant of Uncertain Significance.

Gelb Laboratory, University of Washington
No classification provided (evidence only). Condition: Metachromatic leukodystrophy. Review status: no classification provided. Collection method: in vitro. Allele origin: not applicable. Inheritance: Autosomal recessive inheritance. Functional consequence: loss_of_function_variant. Not counted in ClinVar's aggregate classification.
ClinVar note: "not provided" was previously submitted as the classification for the variant. However, the classification appeared to be based only on an observation of functional data so it was converted to no classification on 2025-07-30.

Literature cited by the submitters: PubMed 37480112 (cited by Labcorp Genetics (formerly Invitae), Labcorp).